The following is an entry in ClinVar:

NM_001267550.2(TTN):c.100919G>T (p.Gly33640Val)

Genes: TTN-AS1 (TTN antisense RNA 1; plus strand), TTN (titin; minus strand). Cytogenetic location: 2q31.2.
Variant type: single nucleotide variant.
Coding change: c.100919G>T on transcript NM_001267550.2 (MANE Select); coding-DNA position 100919, G replaced by T.
Protein change: p.Gly33640Val; replaces glycine 33640 with valine.
Molecular consequence: missense variant.
Genome position (GRCh38, 1-based): chr2:178,535,696, C>A on the plus strand (G>T on the coding strand, the complement: TTN is on the minus strand). VCF-style: chr2-178535696-C-A. GRCh37 (hg19) VCF-style: chr2-179400423-C-A.
Other names: c.95996G>T, p.Gly31999Val (NM_001256850.1); c.73724G>T, p.Gly24575Val (NM_003319.4); c.93215G>T, p.Gly31072Val (NM_133378.4); c.74099G>T, p.Gly24700Val (NM_133432.3); c.74300G>T, p.Gly24767Val (NM_133437.4); short protein forms G24767V, G31999V, G24700V, G33640V, G31072V, G24575V.
Identifiers: ClinVar variation 2155260 (VCV002155260.4), dbSNP rs767492660, ClinGen allele CA1985962.
Genomic context (GRCh38, chr2:178,535,696, plus strand): 5'-TCTACCCCATTGGGGAAAACAAGTGATGTGAAGGATCTTGTGACAATAACTTGGTAGTGG[C>A]CATTATTGTCAATGAGATCTTGTCCTTTCTGCCAGGTGATCACAGGATCTGGTTTGCCAC-3'
Protein context (NP_001254479.2, residues 33630-33650): QKGQDLIDNN[Gly33640Val]HYQVIVTRSF

ClinVar aggregate classification (germline): Uncertain significance (1 of 4 stars; one submission).

Conditions:
Dilated cardiomyopathy 1G (CMD1G). Identifiers: Orphanet 154, MedGen C1858763, MONDO:0011400, OMIM 604145.
Autosomal recessive limb-girdle muscular dystrophy type 2J (LGMDR10). Also called: Limb-girdle muscular dystrophy, type 2J; MUSCULAR DYSTROPHY, LIMB-GIRDLE, AUTOSOMAL RECESSIVE 10. Identifiers: Orphanet 140922, MedGen C1837342, MONDO:0012127, OMIM 608807.

Allele frequency attached by ClinVar (database versions not stated): gnomAD exomes below 0.00001; ExAC 0.00001.
gnomAD v4.1: 2 of 1,613,702 alleles (0.00012%); highest among the groups gnomAD compares: Admixed American, 0.0017%; no homozygotes.

Submission:

Labcorp Genetics (formerly Invitae), Labcorp
Classification: Uncertain significance for Dilated cardiomyopathy 1G; Autosomal recessive limb-girdle muscular dystrophy type 2J. Last evaluated: 2022-11-24. Review status: criteria provided, single submitter. Criteria: Invitae Variant Classification Sherloc (09022015). Collection method: clinical testing. Allele origin: germline.
Comment: This variant is present in population databases (rs767492660, gnomAD 0.003%). This sequence change replaces glycine, which is neutral and non-polar, with valine, which is neutral and non-polar, at codon 33640 of the TTN protein (p.Gly33640Val). This variant has not been reported in the literature in individuals affected with TTN-related conditions. Experimental studies and prediction algorithms are not available or were not evaluated, and the functional significance of this variant is currently unknown. This variant is located in the M band of TTN (PMID: 25589632). Variants in this region may be relevant for neuromuscular disorders, but have not been definitively shown to cause cardiomyopathy (PMID: 23975875). In summary, the available evidence is currently insufficient to determine the role of this variant in disease. Therefore, it has been classified as a Variant of Uncertain Significance.

Literature cited by the submitters: PubMed 25589632; PubMed 23975875.